The following is an entry in ClinVar:

ClinVar aggregate classification (germline): Likely benign. Review status: criteria provided, multiple submitters, no conflicts (2 of 4 stars). 2 submissions from 2 submitters: Likely benign (2). Last evaluated 2026-05-05.

Conditions:
Osteogenesis imperfecta type I (OI1). Also called: OI, TYPE I; OSTEOGENESIS IMPERFECTA TARDA; OSTEOGENESIS IMPERFECTA WITH BLUE SCLERAE; Osteogenesis imperfecta type 1; Lobstein's Disease; Lobstein disease. Identifiers: Orphanet 216796, Orphanet 666, MedGen C0023931, MONDO:0008146, OMIM 166200. Disease mechanism: loss of function.

Submissions (2):

Women's Health and Genetics/Laboratory Corporation of America, LabCorp
Classification: Likely benign. Last evaluated: 2026-05-05. Review status: criteria provided, single submitter. Criteria: LabCorp Variant Classification Summary - May 2015. Collection method: clinical testing. Allele origin: germline.
Comment: Variant summary: COL1A1 c.1299+10A>G alters a nucleotide located at a position not widely known to affect splicing. Consensus agreement among computation tools predict no significant impact on normal splicing. However, these predictions have yet to be confirmed by functional studies. The variant allele was found at a frequency of 4.1e-06 in 245636 control chromosomes. The available data on variant occurrences in the general population are insufficient to allow any conclusion about variant significance. To our knowledge, no occurrence of c.1299+10A>G in individuals affected with COL1A1-related conditions and no experimental evidence demonstrating its impact on protein function have been reported. ClinVar contains an entry for this variant (Variation ID: 4761125). Based on the evidence outlined above, the variant was classified as likely benign.

Labcorp Genetics (formerly Invitae), Labcorp
Classification: Likely benign for Osteogenesis imperfecta type I. Last evaluated: 2026-01-27. Review status: criteria provided, single submitter. Criteria: Invitae Variant Classification Sherloc (09022015). Collection method: clinical testing. Allele origin: germline.

NM_000088.4(COL1A1):c.1299+10A>G

Gene: COL1A1 (collagen type I alpha 1 chain; minus strand). Cytogenetic location: 17q21.33.
Variant type: single nucleotide variant.
Coding change: c.1299+10A>G on transcript NM_000088.4 (MANE Select); 10 bases into the intron after coding-DNA position 1299, A replaced by G.
Molecular consequence: intron variant.
Genome position (GRCh38, 1-based): chr17:50,195,222, T>C on the plus strand (A>G on the coding strand, the complement: COL1A1 is on the minus strand). VCF-style: chr17-50195222-T-C. GRCh37 (hg19) VCF-style: chr17-48272583-T-C.
Identifiers: ClinVar variation 4761125 (VCV004761125.2).